The following is an entry in ClinVar:

NM_001009944.3(PKD1):c.9113C>G (p.Pro3038Arg)

Gene: PKD1 (polycystin 1, transient receptor potential channel interacting; minus strand). Cytogenetic location: 16p13.3.
Variant type: single nucleotide variant.
Coding change: c.9113C>G on transcript NM_001009944.3 (MANE Select); coding-DNA position 9113, C replaced by G.
Protein change: p.Pro3038Arg; replaces proline 3038 with arginine.
Molecular consequence: missense variant.
Genome position (GRCh38, 1-based): chr16:2,102,469, G>C on the plus strand (C>G on the coding strand, the complement: PKD1 is on the minus strand). VCF-style: chr16-2102469-G-C. GRCh37 (hg19) VCF-style: chr16-2152470-G-C.
Other names: p.Pro3038Arg; c.9113C>G, p.Pro3038Arg (NM_000296.4); short protein forms P3038R.
Identifiers: ClinVar variation 3358048 (VCV003358048.4).

ClinVar aggregate classification (germline): Uncertain significance. Review status: criteria provided, multiple submitters, no conflicts (2 of 4 stars). 4 submissions from 4 submitters: Uncertain significance (3). 1 of the submissions does not count toward it. Last evaluated 2025-03-20.

Conditions:
PKD1-related disorder. Also called: PKD1-related condition.
Polycystic kidney disease, adult type (PKD1). Also called: Polycystic Kidney Disease 1, Autosomal Dominant; Polycystic kidney disease 1; Polycystic kidney disease 1, severe; POLYCYSTIC KIDNEY DISEASE 1 WITH OR WITHOUT POLYCYSTIC LIVER DISEASE; POLYCYSTIC KIDNEY DISEASE, ADULT, TYPE I; Polycystic Kidney, Autosomal Dominant. Identifiers: MedGen C3149841, MONDO:0008263, OMIM 173900.

gnomAD v4.1: 30 of 1,557,486 alleles (0.0019%); highest among the groups gnomAD compares: South Asian, 0.032%; no homozygotes.

Submissions (4):

Genetics and Genomic Medicine Centre, NeuroGen Healthcare, NeuroGen Healthcare
Classification: Uncertain significance for Polycystic kidney disease, adult type. Last evaluated: 2025-03-20. Review status: criteria provided, single submitter. Criteria: ACMG Guidelines, 2015. Collection method: clinical testing. Allele origin: unknown. Affected: yes.

Mayo Clinic Laboratories, Mayo Clinic
Classification: Uncertain significance. Last evaluated: 2023-09-19. Review status: criteria provided, single submitter. Criteria: ACMG Guidelines, 2015. Collection method: clinical testing. Allele origin: germline. Observed: 2 variant alleles.

Blueprint Genetics
Classification: Uncertain significance. Last evaluated: 2022-04-29. Review status: criteria provided, single submitter. Criteria: ACMG Guidelines, 2015. Collection method: clinical testing. Allele origin: germline.

PreventionGenetics, part of Exact Sciences
Classification: Uncertain significance for PKD1-related condition. Last evaluated: 2024-09-09. Review status: no assertion criteria provided. Collection method: clinical testing. Allele origin: germline. Not counted in ClinVar's aggregate classification.
Comment: The PKD1 c.9113C>G variant is predicted to result in the amino acid substitution p.Pro3038Arg. This variant was reported in the heterozygous state in an individual with Bardet-Biedl syndrome (Saha et al. 2023. PubMed ID: 37464296). This variant is reported in 0.021% of alleles in individuals of South Asian descent in gnomAD. Although we suspect that this variant may be benign, at this time, the clinical significance of this variant is uncertain due to the absence of conclusive functional and genetic evidence.